The following is an entry in ClinVar:

ClinVar aggregate classification (germline): Uncertain significance. Review status: criteria provided, multiple submitters, no conflicts (2 of 4 stars). 2 submissions from 2 submitters: Uncertain significance (2). Last evaluated 2025-07-31.

Conditions:
Epileptic encephalopathy. Identifiers: MedGen C0543888, HP:0200134.

Submissions (2):

Labcorp Genetics (formerly Invitae), Labcorp
Classification: Uncertain significance for Epileptic encephalopathy. Last evaluated: 2025-07-31. Review status: criteria provided, single submitter. Criteria: Invitae Variant Classification Sherloc (09022015). Collection method: clinical testing. Allele origin: germline.
Comment: This sequence change replaces aspartic acid, which is acidic and polar, with asparagine, which is neutral and polar, at codon 2402 of the FASN protein (p.Asp2402Asn). This variant is not present in population databases (gnomAD no frequency). This variant has not been reported in the literature in individuals affected with FASN-related conditions. ClinVar contains an entry for this variant (Variation ID: 2530489). An algorithm developed to predict the effect of missense changes on protein structure and function (PolyPhen-2) suggests that this variant is likely to be tolerated. In summary, the available evidence is currently insufficient to determine the role of this variant in disease. Therefore, it has been classified as a Variant of Uncertain Significance.

Ambry Genetics
Classification: Uncertain significance. Last evaluated: 2023-03-28. Review status: criteria provided, single submitter. Criteria: Ambry Variant Classification Scheme 2023. Collection method: clinical testing. Allele origin: germline.

NM_004104.5(FASN):c.7204G>A (p.Asp2402Asn)

Genes: FASN (fatty acid synthase; minus strand), LOC129390948 (MPRA-validated peak3028 silencer; plus strand). Cytogenetic location: 17q25.3.
Variant type: single nucleotide variant.
Coding change: c.7204G>A on transcript NM_004104.5 (MANE Select); coding-DNA position 7204, G replaced by A.
Protein change: p.Asp2402Asn; replaces aspartic acid 2402 with asparagine.
Molecular consequence: missense variant.
Genome position (GRCh38, 1-based): chr17:82,079,551, C>T on the plus strand (G>A on the coding strand, the complement: FASN is on the minus strand). VCF-style: chr17-82079551-C-T. GRCh37 (hg19) VCF-style: chr17-80037427-C-T.
Other names: short protein forms D2402N.
Identifiers: ClinVar variation 2530489 (VCV002530489.3), dbSNP rs2509825801, ClinGen allele CA401596061.